The following is an entry in ClinVar:

NM_001035.3(RYR2):c.7359A>G (p.Glu2453=)

Gene: RYR2 (ryanodine receptor 2; plus strand). Cytogenetic location: 1q43.
Variant type: single nucleotide variant.
Coding change: c.7359A>G on transcript NM_001035.3 (MANE Select); coding-DNA position 7359, A replaced by G.
Protein change: p.Glu2453=; no amino-acid change (glutamic acid 2453 retained).
Molecular consequence: synonymous variant.
Genome position (GRCh38, 1-based): chr1:237,648,460, A>G. VCF-style: chr1-237648460-A-G. GRCh37 (hg19) VCF-style: chr1-237811760-A-G.
Identifiers: ClinVar variation 227921 (VCV000227921.19), dbSNP rs779456443, ClinGen allele CA087379.

ClinVar aggregate classification (germline): Likely benign. Review status: criteria provided, multiple submitters, no conflicts (2 of 4 stars). 5 submissions from 5 submitters: Likely benign (5). Last evaluated 2025-12-17.

Conditions:
Cardiovascular phenotype. Identifiers: MedGen CN230736.
Catecholaminergic polymorphic ventricular tachycardia (CVPT). Also called: Catecholamine-induced polymorphic ventricular tachycardia. Identifiers: Orphanet 3286, MedGen C5574922, MONDO:0017990.
Cardiomyopathy (CMYO). Also called: Cardiomyopathies. Identifiers: Orphanet 167848, MedGen C0878544, MONDO:0004994, HP:0001638. Inheritance: Various modes of inheritance.
Catecholaminergic polymorphic ventricular tachycardia 1. Also called: VENTRICULAR TACHYCARDIA, STRESS-INDUCED POLYMORPHIC 1; VENTRICULAR TACHYCARDIA, CATECHOLAMINERGIC POLYMORPHIC, 1, WITH OR WITHOUT ATRIAL DYSFUNCTION AND/OR DILATED CARDIOMYOPATHY; RYR2-Related Catecholaminergic Polymorphic Ventricular Tachycardia. Identifiers: Orphanet 3286, MedGen C1631597, MONDO:0011484, OMIM 604772.

Allele frequency attached by ClinVar (database versions not stated): gnomAD exomes below 0.00001 and 0.00001; ExAC 0.00001; gnomAD 0.00001; TOPMed 0.00002.
gnomAD v4.1: 8 of 1,608,282 alleles (0.0005%); highest among the groups gnomAD compares: African/African-American, 0.0053%; no homozygotes.

Submissions (5):

Labcorp Genetics (formerly Invitae), Labcorp
Classification: Likely benign for Catecholaminergic polymorphic ventricular tachycardia 1. Last evaluated: 2025-12-17. Review status: criteria provided, single submitter. Criteria: Invitae Variant Classification Sherloc (09022015). Collection method: clinical testing. Allele origin: germline.

All of Us Research Program, National Institutes of Health
Classification: Likely benign for Catecholaminergic polymorphic ventricular tachycardia. Last evaluated: 2023-11-02. Review status: criteria provided, single submitter. Criteria: ACMG Guidelines, 2015. Collection method: clinical testing. Allele origin: germline. Inheritance: Autosomal dominant inheritance. Observed: 1 variant allele, 1 heterozygote.
Comment: This study involves interpretation of variants in research participants for the purpose of population health screening. Participant phenotype was not available at the time of variant classification. Additional details can be found in publication PMID: 35346344, PMCID: PMC8962531

Ambry Genetics
Classification: Likely benign for Cardiovascular phenotype. Last evaluated: 2019-05-17. Review status: criteria provided, single submitter. Criteria: Ambry Variant Classification Scheme 2023. Collection method: clinical testing. Allele origin: germline.

Color Diagnostics, LLC DBA Color Health
Classification: Likely benign for Cardiomyopathy. Last evaluated: 2019-02-09. Review status: criteria provided, single submitter. Criteria: ACMG Guidelines, 2015. Collection method: clinical testing. Allele origin: germline.

Laboratory for Molecular Medicine, Mass General Brigham Personalized Medicine
Classification: Likely benign. Last evaluated: 2015-07-09. Review status: criteria provided, single submitter. Criteria: LMM Criteria. Collection method: clinical testing. Allele origin: germline. Observed: 1 variant allele.
Comment: p.Glu2453Glu in exon 49 of RYR2: This variant is not expected to have clinical s ignificance because it does not alter an amino acid residue and is not located w ithin the splice consensus sequence. It has been identified in 1/7204 of African chromosomes by the Exome Aggregation Consortium (ExAC; dbSNP rs779456443).